The following is an entry in ClinVar:

ClinVar aggregate classification (germline): Uncertain significance. Review status: criteria provided, multiple submitters, no conflicts (2 of 4 stars). 3 submissions from 3 submitters: Uncertain significance (3). Last evaluated 2022-11-16.

gnomAD v4.1: 36 of 1,602,016 alleles (0.0022%); highest among the groups gnomAD compares: Non-Finnish European, 0.0028%; no homozygotes.

Submissions (3):

GeneDx
Classification: Uncertain significance. Last evaluated: 2022-11-16. Review status: criteria provided, single submitter. Criteria: GeneDx Variant Classification Process June 2021. Collection method: clinical testing. Allele origin: germline. Affected: yes.
Comment: Not observed at significant frequency in large population cohorts (gnomAD); In silico analysis supports that this missense variant has a deleterious effect on protein structure/function; Has not been previously published as pathogenic or benign to our knowledge

Blueprint Genetics
Classification: Uncertain significance. Last evaluated: 2022-09-28. Review status: criteria provided, single submitter. Criteria: ACMG Guidelines, 2015. Collection method: clinical testing. Allele origin: germline.

Labcorp Genetics (formerly Invitae), Labcorp
Classification: Uncertain significance. Last evaluated: 2022-03-10. Review status: criteria provided, single submitter. Criteria: Invitae Variant Classification Sherloc (09022015). Collection method: clinical testing. Allele origin: germline.
Comment: In summary, the available evidence is currently insufficient to determine the role of this variant in disease. Therefore, it has been classified as a Variant of Uncertain Significance. Algorithms developed to predict the effect of missense changes on protein structure and function are either unavailable or do not agree on the potential impact of this missense change (SIFT: "Deleterious"; PolyPhen-2: "Probably Damaging"; Align-GVGD: "Class C0"). This variant has not been reported in the literature in individuals affected with GPR179-related conditions. This variant is present in population databases (rs561607837, gnomAD 0.007%). This sequence change replaces alanine, which is neutral and non-polar, with proline, which is neutral and non-polar, at codon 820 of the GPR179 protein (p.Ala820Pro).

NM_001004334.4(GPR179):c.2458G>C (p.Ala820Pro)

Gene: GPR179 (G protein-coupled receptor 179; minus strand). Cytogenetic location: 17q12.
Variant type: single nucleotide variant.
Coding change: c.2458G>C on transcript NM_001004334.4 (MANE Select); coding-DNA position 2458, G replaced by C.
Protein change: p.Ala820Pro; replaces alanine 820 with proline.
Molecular consequence: missense variant.
Genome position (GRCh38, 1-based): chr17:38,331,111, C>G on the plus strand (G>C on the coding strand, the complement: GPR179 is on the minus strand). VCF-style: chr17-38331111-C-G. GRCh37 (hg19) VCF-style: chr17-36486994-C-G.
Other names: c.2458G>C (NM_001004334.3); short protein forms A820P.
Identifiers: ClinVar variation 1479710 (VCV001479710.10), dbSNP rs561607837, ClinGen allele CA290105817.